The following is an entry in ClinVar:

ClinVar aggregate classification (germline): Uncertain significance (1 of 4 stars; one submission).

Submission:

Labcorp Genetics (formerly Invitae), Labcorp
Classification: Uncertain significance. Last evaluated: 2023-11-21. Review status: criteria provided, single submitter. Criteria: Invitae Variant Classification Sherloc (09022015). Collection method: clinical testing. Allele origin: germline.
Comment: This sequence change replaces lysine, which is basic and polar, with glutamic acid, which is acidic and polar, at codon 65 of the C3 protein (p.Lys65Glu). This variant is present in population databases (no rsID available, gnomAD 0.006%). This variant has not been reported in the literature in individuals affected with C3-related conditions. Advanced modeling of protein sequence and biophysical properties (such as structural, functional, and spatial information, amino acid conservation, physicochemical variation, residue mobility, and thermodynamic stability) performed at Invitae indicates that this missense variant is not expected to disrupt C3 protein function with a negative predictive value of 80%. In summary, the available evidence is currently insufficient to determine the role of this variant in disease. Therefore, it has been classified as a Variant of Uncertain Significance.

NM_000064.4(C3):c.193A>G (p.Lys65Glu)

Gene: C3 (complement C3; minus strand). Cytogenetic location: 19p13.3.
Variant type: single nucleotide variant.
Coding change: c.193A>G on transcript NM_000064.4 (MANE Select); coding-DNA position 193, A replaced by G.
Protein change: p.Lys65Glu; replaces lysine 65 with glutamic acid.
Molecular consequence: missense variant.
Genome position (GRCh38, 1-based): chr19:6,719,285, T>C on the plus strand (A>G on the coding strand, the complement: C3 is on the minus strand). VCF-style: chr19-6719285-T-C. GRCh37 (hg19) VCF-style: chr19-6719296-T-C.
Other names: short protein forms K65E.
Identifiers: ClinVar variation 2794813 (VCV002794813.3), dbSNP rs539992721, ClinGen allele CA403646023.